The following is an entry in ClinVar:

ClinVar aggregate classification (germline): Uncertain significance. Review status: criteria provided, multiple submitters, no conflicts (2 of 4 stars). 3 submissions from 3 submitters: Uncertain significance (3). Last evaluated 2025-03-04.

Conditions:
Hereditary nonpolyposis colorectal neoplasms. Identifiers: MedGen C0009405, MeSH D003123.
Hereditary cancer-predisposing syndrome. Also called: Tumor predisposition; Hereditary Cancer Syndrome; Hereditary neoplastic syndrome; Neoplastic Syndromes, Hereditary. Identifiers: Orphanet 140162, MedGen C0027672, MeSH D009386, MONDO:0015356.

Submissions (3):

Center for Genomic Medicine, Rigshospitalet, Copenhagen University Hospital
Classification: Uncertain significance. Last evaluated: 2025-03-04. Review status: criteria provided, single submitter. Criteria: ACMG Guidelines, 2015. Collection method: clinical testing. Allele origin: germline.

Labcorp Genetics (formerly Invitae), Labcorp
Classification: Uncertain significance for Hereditary nonpolyposis colorectal neoplasms. Last evaluated: 2021-03-31. Review status: criteria provided, single submitter. Criteria: Invitae Variant Classification Sherloc (09022015). Collection method: clinical testing. Allele origin: germline.
Comment: Advanced modeling of protein sequence and biophysical properties (such as structural, functional, and spatial information, amino acid conservation, physicochemical variation, residue mobility, and thermodynamic stability) performed at Invitae indicates that this missense variant is expected to disrupt MSH6 protein function. This sequence change replaces cysteine with arginine at codon 1053 of the MSH6 protein (p.Cys1053Arg). The cysteine residue is highly conserved and there is a large physicochemical difference between cysteine and arginine. This variant is not present in population databases (ExAC no frequency). This variant has not been reported in the literature in individuals with MSH6-related conditions. In summary, the available evidence is currently insufficient to determine the role of this variant in disease. Therefore, it has been classified as a Variant of Uncertain Significance.

Ambry Genetics
Classification: Uncertain significance for Hereditary cancer-predisposing syndrome. Last evaluated: 2021-03-04. Review status: criteria provided, single submitter. Criteria: Ambry Variant Classification Scheme 2023. Collection method: clinical testing. Allele origin: germline.
Comment: The p.C1053R variant (also known as c.3157T>C), located in coding exon 4 of the MSH6 gene, results from a T to C substitution at nucleotide position 3157. The cysteine at codon 1053 is replaced by arginine, an amino acid with highly dissimilar properties. This amino acid position is highly conserved in available vertebrate species. In addition, this alteration is predicted to be deleterious by in silico analysis. Since supporting evidence is limited at this time, the clinical significance of this alteration remains unclear.

NM_000179.3(MSH6):c.3157T>C (p.Cys1053Arg)

Gene: MSH6 (mutS homolog 6; plus strand). Cytogenetic location: 2p16.3.
Variant type: single nucleotide variant.
Coding change: c.3157T>C on transcript NM_000179.3 (MANE Select); coding-DNA position 3157, T replaced by C.
Protein change: p.Cys1053Arg; replaces cysteine 1053 with arginine.
Molecular consequence: missense variant.
Genome position (GRCh38, 1-based): chr2:47,801,140, T>C. VCF-style: chr2-47801140-T-C. GRCh37 (hg19) VCF-style: chr2-48028279-T-C.
Other names: c.2767T>C, p.Cys923Arg (NM_001281492.2); c.2251T>C, p.Cys751Arg (NM_001281493.2, NM_001281494.2); short protein forms C751R, C923R, C1053R.
Identifiers: ClinVar variation 1477968 (VCV001477968.11), dbSNP rs2104443174, ClinGen allele CA346756722.